The following is an entry in ClinVar:

NM_000465.4(BARD1):c.1382G>A (p.Gly461Glu)

Gene: BARD1 (BRCA1 associated RING domain 1; minus strand). Cytogenetic location: 2q35.
Variant type: single nucleotide variant.
Coding change: c.1382G>A on transcript NM_000465.4 (MANE Select); coding-DNA position 1382, G replaced by A.
Protein change: p.Gly461Glu; replaces glycine 461 with glutamic acid.
Molecular consequence: missense variant. On other transcripts: non-coding transcript variant (3), intron variant (3).
Genome position (GRCh38, 1-based): chr2:214,769,245, C>T on the plus strand (G>A on the coding strand, the complement: BARD1 is on the minus strand). VCF-style: chr2-214769245-C-T. GRCh37 (hg19) VCF-style: chr2-215633969-C-T.
Other names: c.1325G>A, p.Gly442Glu (NM_001282543.2); c.159-16690G>A (NM_001282548.2); c.216-16690G>A (NM_001282545.2); c.364+23052G>A (NM_001282549.2); short protein forms G442E, G461E.
Identifiers: ClinVar variation 1034892 (VCV001034892.9), dbSNP rs1694358968, ClinGen allele CA350450134.
Genomic context (GRCh38, chr2:214,769,245, plus strand): 5'-AGAACTGTAAAACACAGAAAGAATGAGAATAAAAACCAGACAACTACCAATGGTGTCCAT[C>T]CAGCATGGTCTTTAACATTTGGATCACTTCCATTTTGTAAAAGGTATTCAACAGAAGGTA-3'
Protein context (NP_000456.2, residues 451-471): GSDPNVKDHA[Gly461Glu]WTPLHEACNH

ClinVar aggregate classification (germline): Uncertain significance (1 of 4 stars; one submission).

Conditions:
Familial cancer of breast. Also called: Hereditary breast cancer; BREAST CANCER, FAMILIAL; hereditary breast carcinoma. Identifiers: Orphanet 227535, MedGen C0346153, MONDO:0016419, OMIM 114480. Disease mechanism: loss of function.

Submission:

Labcorp Genetics (formerly Invitae), Labcorp
Classification: Uncertain significance for Familial cancer of breast. Last evaluated: 2022-07-06. Review status: criteria provided, single submitter. Criteria: Invitae Variant Classification Sherloc (09022015). Collection method: clinical testing. Allele origin: germline.
Comment: In summary, the available evidence is currently insufficient to determine the role of this variant in disease. Therefore, it has been classified as a Variant of Uncertain Significance. Algorithms developed to predict the effect of missense changes on protein structure and function (SIFT, PolyPhen-2, Align-GVGD) all suggest that this variant is likely to be disruptive. This sequence change replaces glycine, which is neutral and non-polar, with glutamic acid, which is acidic and polar, at codon 461 of the BARD1 protein (p.Gly461Glu). ClinVar contains an entry for this variant (Variation ID: 1034892). This variant has not been reported in the literature in individuals affected with BARD1-related conditions. This variant is not present in population databases (gnomAD no frequency).